The following is an entry in ClinVar:

ClinVar aggregate classification (germline): Likely benign (1 of 4 stars; one submission).

Conditions:
Marfan syndrome (MFS). Also called: MARFAN SYNDROME, TYPE I; Marfan syndrome type 1; Marfan's syndrome; FBN1-Related Marfan Syndrome; Marfan syndrome, classic. Identifiers: Orphanet 284963, Orphanet 558, MedGen C0024796, MONDO:0007947, OMIM 154700.

Submission:

All of Us Research Program, National Institutes of Health
Classification: Likely benign for Marfan syndrome. Last evaluated: 2024-08-13. Review status: criteria provided, single submitter. Criteria: ACMG Guidelines, 2015. Collection method: clinical testing. Allele origin: germline. Inheritance: Autosomal dominant inheritance. Observed: 1 variant allele, 1 heterozygote.
Comment: This study involves interpretation of variants in research participants for the purpose of population health screening. Participant phenotype was not available at the time of variant classification. Additional details can be found in publication PMID: 35346344, PMCID: PMC8962531

NM_000138.5(FBN1):c.6348G>T (p.Gly2116=)

Gene: FBN1 (fibrillin 1; minus strand). Cytogenetic location: 15q21.1.
Variant type: single nucleotide variant.
Coding change: c.6348G>T on transcript NM_000138.5 (MANE Select); coding-DNA position 6348, G replaced by T.
Protein change: p.Gly2116=; no amino-acid change (glycine 2116 retained).
Molecular consequence: synonymous variant.
Genome position (GRCh38, 1-based): chr15:48,437,353, C>A on the plus strand (G>T on the coding strand, the complement: FBN1 is on the minus strand). VCF-style: chr15-48437353-C-A. GRCh37 (hg19) VCF-style: chr15-48729550-C-A.
Other names: c.6348G>T, p.Gly2116= (NM_001406716.1).
Identifiers: ClinVar variation 3386772 (VCV003386772.1).